The following is an entry in ClinVar:

NM_007315.4(STAT1):c.1116T>C (p.Asn372=)

Gene: STAT1 (signal transducer and activator of transcription 1; minus strand). Cytogenetic location: 2q32.2.
Variant type: single nucleotide variant.
Coding change: c.1116T>C on transcript NM_007315.4 (MANE Select); coding-DNA position 1116, T replaced by C.
Protein change: p.Asn372=; no amino-acid change (asparagine 372 retained).
Molecular consequence: synonymous variant. On other transcripts: intron variant (1).
Genome position (GRCh38, 1-based): chr2:190,987,050, A>G on the plus strand (T>C on the coding strand, the complement: STAT1 is on the minus strand). VCF-style: chr2-190987050-A-G. GRCh37 (hg19) VCF-style: chr2-191851776-A-G.
Other names: c.1056T>C, p.Asn352= (NM_001384880.1); c.1122T>C, p.Asn374= (NM_001384881.1, NM_001384884.1); c.1116T>C, p.Asn372= (NM_001384882.1, NM_001384886.1, NM_001384889.1 and 1 more transcripts); c.1017T>C, p.Asn339= (NM_001384883.1); c.957T>C, p.Asn319= (NM_001384885.1); c.1023T>C, p.Asn341= (NM_001384887.1); c.1026T>C, p.Asn342= (NM_001384890.1); c.1152T>C, p.Asn384= (NM_001384891.1); and 1 more.
Identifiers: ClinVar variation 333281 (VCV000333281.33), dbSNP rs55891000, ClinGen allele CA2030043.

ClinVar aggregate classification (germline): Benign/Likely benign. Review status: criteria provided, multiple submitters, no conflicts (2 of 4 stars). 5 submissions from 5 submitters: Benign (3); Likely benign (2). Last evaluated 2026-02-01.

Conditions:
Mendelian susceptibility to mycobacterial diseases due to partial STAT1 deficiency. Also called: IMMUNODEFICIENCY 31A, MYCOBACTERIOSIS, AUTOSOMAL DOMINANT; STAT1 DEFICIENCY, AUTOSOMAL DOMINANT; Immunodeficiency 31a. Identifiers: Orphanet 319595, MedGen C4013950, MONDO:0013956, OMIM 614892.
Immunodeficiency 31B. Also called: IMMUNODEFICIENCY 31B, MYCOBACTERIAL AND VIRAL INFECTIONS, AUTOSOMAL RECESSIVE; STAT1 DEFICIENCY, AUTOSOMAL RECESSIVE. Identifiers: Orphanet 391311, MedGen C3151088, MONDO:0013427, OMIM 613796.
Autoimmune enteropathy and endocrinopathy - susceptibility to chronic infections syndrome. Also called: Immunodeficiency 31C, autosomal dominant; Immunodeficiency 31C. Identifiers: Orphanet 391487, MedGen C3279990, MONDO:0013599, OMIM 614162.

Allele frequency attached by ClinVar (database versions not stated): gnomAD 0.00030 and 0.00048; gnomAD exomes 0.00055 and 0.00091; TOPMed 0.00062; ExAC 0.00090; 1000 Genomes Project 0.00300; 1000 Genomes Project 30x 0.00344.

Submissions (5):

CeGaT Center for Human Genetics Tuebingen
Classification: Likely benign. Last evaluated: 2026-02-01. Review status: criteria provided, single submitter. Criteria: CeGaT Center For Human Genetics Tuebingen Variant Classification Criteria Version 2. Collection method: clinical testing. Allele origin: germline. Affected: yes. Observed: 2 variant alleles.
Comment: STAT1: BP4, BP7, BS1

Labcorp Genetics (formerly Invitae), Labcorp
Classification: Benign for Mendelian susceptibility to mycobacterial diseases due to partial STAT1 deficiency; Immunodeficiency 31B; Autoimmune enteropathy and endocrinopathy - susceptibility to chronic infections syndrome. Last evaluated: 2025-12-30. Review status: criteria provided, single submitter. Criteria: Invitae Variant Classification Sherloc (09022015). Collection method: clinical testing. Allele origin: germline.

Blueprint Genetics
Classification: Likely benign. Last evaluated: 2024-09-17. Review status: criteria provided, single submitter. Criteria: ACMG Guidelines, 2015. Collection method: clinical testing. Allele origin: germline.

Illumina Laboratory Services, Illumina
Classification: Benign for Mendelian susceptibility to mycobacterial diseases due to partial STAT1 deficiency. Last evaluated: 2018-01-12. Review status: criteria provided, single submitter. Criteria: ICSL Variant Classification Criteria 13 December 2019. Collection method: clinical testing. Allele origin: germline.
Comment: This variant was observed in the ICSL laboratory as part of a predisposition screen in an ostensibly healthy population. It had not been previously curated by ICSL or reported in the Human Gene Mutation Database (HGMD: prior to June 1st, 2018), and was therefore a candidate for classification through an automated scoring system. Utilizing variant allele frequency, disease prevalence and penetrance estimates, and inheritance mode, an automated score was calculated to assess if this variant is too frequent to cause the disease. Based on the score and internal cut-off values, a variant classified as benign is not then subjected to further curation. The score for this variant resulted in a classification of benign for this disease.

Breakthrough Genomics
Classification: Benign. Review status: criteria provided, single submitter. Criteria: ACMG Guidelines, 2015. Collection method: not provided. Allele origin: germline. Inheritance: Autosomal recessive inheritance. Affected: yes.